The following is an entry in ClinVar:

NM_002485.5(NBN):c.*541G>C

Gene: NBN (nibrin; minus strand). Cytogenetic location: 8q21.3.
Variant type: single nucleotide variant.
Coding change: c.*541G>C on transcript NM_002485.5 (MANE Select); 541 bases downstream of the stop codon, G replaced by C.
Molecular consequence: 3 prime UTR variant.
Genome position (GRCh38, 1-based): chr8:89,935,041, C>G on the plus strand (G>C on the coding strand, the complement: NBN is on the minus strand). VCF-style: chr8-89935041-C-G. GRCh37 (hg19) VCF-style: chr8-90947269-C-G.
Other names: c.*541G>C (NM_001024688.3).
Identifiers: ClinVar variation 363905 (VCV000363905.14), dbSNP rs2735383, ClinGen allele CA10631736.

ClinVar aggregate classification (germline): Benign. Review status: criteria provided, multiple submitters, no conflicts (2 of 4 stars). 3 submissions from 3 submitters: Benign (3). Last evaluated 2026-02-02.

Conditions:
Microcephaly, normal intelligence and immunodeficiency (NBS). Also called: Ataxia telangiectasia variant V1; Immunodeficiency, microcephaly with normal intelligence; IMMUNODEFICIENCY, MICROCEPHALY, AND CHROMOSOMAL INSTABILITY; SEEMANOVA SYNDROME II; Nijmegen breakage syndrome; Microcephaly with normal intelligence immunodeficiency and lymphoreticular malignancies. Identifiers: Orphanet 647, MedGen C0398791, MONDO:0009623, OMIM 251260.

Allele frequency attached by ClinVar (database versions not stated): TOPMed 0.30646; gnomAD 0.31125 and 0.31299; 1000 Genomes Project 0.33027; gnomAD exomes 0.33129; 1000 Genomes Project 30x 0.32308.
gnomAD v4.1: 74,409 of 233,322 alleles (32%); highest among the groups gnomAD compares: East Asian, 41%; 11,921 homozygotes.

Submissions (3):

Labcorp Genetics (formerly Invitae), Labcorp
Classification: Benign for Microcephaly, normal intelligence and immunodeficiency. Last evaluated: 2026-02-02. Review status: criteria provided, single submitter. Criteria: Invitae Variant Classification Sherloc (09022015). Collection method: clinical testing. Allele origin: germline.

Illumina Laboratory Services, Illumina
Classification: Benign for Microcephaly, normal intelligence and immunodeficiency. Last evaluated: 2018-03-06. Review status: criteria provided, single submitter. Criteria: ICSL Variant Classification Criteria 13 December 2019. Collection method: clinical testing. Allele origin: germline.
Comment: This variant was observed in the ICSL laboratory as part of a predisposition screen in an ostensibly healthy population. It had not been previously curated by ICSL or reported in the Human Gene Mutation Database (HGMD: prior to June 1st, 2018), and was therefore a candidate for classification through an automated scoring system. Utilizing variant allele frequency, disease prevalence and penetrance estimates, and inheritance mode, an automated score was calculated to assess if this variant is too frequent to cause the disease. Based on the score and internal cut-off values, a variant classified as benign is not then subjected to further curation. The score for this variant resulted in a classification of benign for this disease.

Breakthrough Genomics
Classification: Benign. Review status: criteria provided, single submitter. Criteria: ACMG Guidelines, 2015. Collection method: not provided. Allele origin: germline. Inheritance: Autosomal recessive inheritance. Affected: yes.